The following is an entry in ClinVar:

ClinVar aggregate classification (germline): Likely benign. Review status: criteria provided, single submitter (1 of 4 stars). 2 submissions from 2 submitters: Likely benign (1). 1 of the submissions does not count toward it. Last evaluated 2025-04-20.

Conditions:
FAT4-related disorder. Also called: FAT4-related condition.

Allele frequency attached by ClinVar (database versions not stated): ExAC 0.00002; gnomAD exomes 0.00002; TOPMed 0.00003.
gnomAD v4.1: 18 of 1,614,070 alleles (0.0011%); highest among the groups gnomAD compares: East Asian, 0.018%; no homozygotes.

Submissions (2):

Labcorp Genetics (formerly Invitae), Labcorp
Classification: Likely benign. Last evaluated: 2025-04-20. Review status: criteria provided, single submitter. Criteria: Invitae Variant Classification Sherloc (09022015). Collection method: clinical testing. Allele origin: germline.

PreventionGenetics, part of Exact Sciences
Classification: Likely benign for FAT4-related condition. Last evaluated: 2022-05-17. Review status: no assertion criteria provided. Collection method: clinical testing. Allele origin: germline. Not counted in ClinVar's aggregate classification.
Comment: This variant is classified as likely benign based on ACMG/AMP sequence variant interpretation guidelines (Richards et al. 2015 PMID: 25741868, with internal and published modifications).

NM_001291303.3(FAT4):c.1845C>T (p.Asn615=)

Gene: FAT4 (FAT atypical cadherin 4; plus strand). Cytogenetic location: 4q28.1.
Variant type: single nucleotide variant.
Coding change: c.1845C>T on transcript NM_001291303.3 (MANE Select); coding-DNA position 1845, C replaced by T.
Protein change: p.Asn615=; no amino-acid change (asparagine 615 retained).
Molecular consequence: synonymous variant.
Genome position (GRCh38, 1-based): chr4:125,318,256, C>T. VCF-style: chr4-125318256-C-T. GRCh37 (hg19) VCF-style: chr4-126239411-C-T.
Other names: c.1845C>T, p.Asn615= (NM_001291285.3, NM_024582.6).
Identifiers: ClinVar variation 746912 (VCV000746912.9), dbSNP rs548524386, ClinGen allele CA3072063.